The following is an entry in ClinVar:

NM_001258244.2(TMEM218):c.18C>T (p.Leu6=)

Gene: TMEM218 (transmembrane protein 218; minus strand). Cytogenetic location: 11q24.2.
Variant type: single nucleotide variant.
Coding change: c.18C>T on transcript NM_001258244.2 (MANE Select); coding-DNA position 18, C replaced by T.
Protein change: p.Leu6=; no amino-acid change (leucine 6 retained).
Molecular consequence: synonymous variant. On other transcripts: non-coding transcript variant (6), intron variant (5).
Genome position (GRCh38, 1-based): chr11:125,102,224, G>A on the plus strand (C>T on the coding strand, the complement: TMEM218 is on the minus strand). VCF-style: chr11-125102224-G-A. GRCh37 (hg19) VCF-style: chr11-124972120-G-A.
Other names: c.18C>T, p.Leu6= (NM_001258247.2, NM_001387230.1, NM_001387231.1 and 26 more transcripts); c.123C>T, p.Leu41= (NM_001387255.1, NM_001387256.1, NM_001387257.1 and 2 more transcripts); c.29+413C>T (NM_001387250.1, NM_001387253.1, NM_001387252.1 and 2 more transcripts).
Identifiers: ClinVar variation 4872380 (VCV004872380.2).

ClinVar aggregate classification (germline): Likely benign (1 of 4 stars; one submission).

gnomAD v4.1: 1,812 of 1,612,978 alleles (0.11%); highest among the groups gnomAD compares: Admixed American, 0.17%; 2 homozygotes.

Submission:

CeGaT Center for Human Genetics Tuebingen
Classification: Likely benign. Last evaluated: 2026-05-01. Review status: criteria provided, single submitter. Criteria: CeGaT Center For Human Genetics Tuebingen Variant Classification Criteria Version 2. Collection method: clinical testing. Allele origin: germline. Affected: yes. Observed: 1 variant allele.
Comment: TMEM218: BP4, BP7